The following is an entry in ClinVar:

ClinVar aggregate classification (germline): Benign/Likely benign. Review status: criteria provided, multiple submitters, no conflicts (2 of 4 stars). 3 submissions from 3 submitters: Benign (1); Likely benign (1). 1 of the submissions does not count toward it. Last evaluated 2025-07-13.

Conditions:
CDH3-related disorder. Also called: CDH3-related condition.

Allele frequency attached by ClinVar (database versions not stated): gnomAD 0.00009; ExAC 0.00020; gnomAD exomes 0.00021; 1000 Genomes Project 30x 0.00109; 1000 Genomes Project 0.00120.
gnomAD v4.1: 160 of 1,614,178 alleles (0.0099%); highest among the groups gnomAD compares: East Asian, 0.31%; no homozygotes.

Submissions (3):

Labcorp Genetics (formerly Invitae), Labcorp
Classification: Benign. Last evaluated: 2025-07-13. Review status: criteria provided, single submitter. Criteria: Invitae Variant Classification Sherloc (09022015). Collection method: clinical testing. Allele origin: germline.

Blueprint Genetics
Classification: Likely benign. Last evaluated: 2024-05-31. Review status: criteria provided, single submitter. Criteria: ACMG Guidelines, 2015. Collection method: clinical testing. Allele origin: germline.

PreventionGenetics, part of Exact Sciences
Classification: Likely benign for CDH3-related condition. Last evaluated: 2019-08-20. Review status: no assertion criteria provided. Collection method: clinical testing. Allele origin: germline. Not counted in ClinVar's aggregate classification.
Comment: This variant is classified as likely benign based on ACMG/AMP sequence variant interpretation guidelines (Richards et al. 2015 PMID: 25741868, with internal and published modifications).

NM_001793.6(CDH3):c.582A>C (p.Ser194=)

Gene: CDH3 (cadherin 3; plus strand). Cytogenetic location: 16q22.1.
Variant type: single nucleotide variant.
Coding change: c.582A>C on transcript NM_001793.6 (MANE Select); coding-DNA position 582, A replaced by C.
Protein change: p.Ser194=; no amino-acid change (serine 194 retained).
Molecular consequence: synonymous variant.
Genome position (GRCh38, 1-based): chr16:68,678,797, A>C. VCF-style: chr16-68678797-A-C. GRCh37 (hg19) VCF-style: chr16-68712700-A-C.
Other names: c.582A>C (NM_001793.5); c.582A>C, p.Ser194= (NM_001317195.3); c.417A>C, p.Ser139= (NM_001317196.2).
Identifiers: ClinVar variation 1166260 (VCV001166260.12), dbSNP rs148063369, ClinGen allele CA8129075.